The following is an entry in ClinVar:

NM_004168.4(SDHA):c.1377C>T (p.Asp459=)

Gene: SDHA (succinate dehydrogenase complex flavoprotein subunit A; plus strand). Cytogenetic location: 5p15.33.
Variant type: single nucleotide variant.
Coding change: c.1377C>T on transcript NM_004168.4 (MANE Select); coding-DNA position 1377, C replaced by T.
Protein change: p.Asp459=; no amino-acid change (aspartic acid 459 retained).
Molecular consequence: synonymous variant.
Genome position (GRCh38, 1-based): chr5:236,544, C>T. VCF-style: chr5-236544-C-T. GRCh37 (hg19) VCF-style: chr5-236659-C-T.
Other names: c.1233C>T, p.Asp411= (NM_001294332.2); c.1377C>T, p.Asp459= (NM_001330758.2); c.1377C>T (NM_004168.2).
Identifiers: ClinVar variation 747878 (VCV000747878.14), dbSNP rs1579409909, ClinGen allele CA442692127.
Genomic context (GRCh38, chr5:236,544, plus strand): 5'-GGAGGCCGCCTGTGCCTCGGTACATGGTGCCAACCGCCTCGGGGCAAACTCGCTCTTGGA[C>T]CTGGTTGTCTTTGGTCGGGCATGTGCCCTGAGCATCGAAGAGTCATGCAGGCCTGGTAAG-3'
Protein context (NP_004159.2, residues 449-469): ANRLGANSLL[Asp459=]LVVFGRACAL

ClinVar aggregate classification (germline): Benign/Likely benign. Review status: criteria provided, multiple submitters, no conflicts (2 of 4 stars). 3 submissions from 3 submitters: Benign (1); Likely benign (2). Last evaluated 2025-10-07.

Conditions:
Pheochromocytoma/paraganglioma syndrome 5. Also called: Paragangliomas 5; SDHA-Related Hereditary Paraganglioma-Pheochromocytoma Syndrome. Identifiers: Orphanet 29072, MedGen C3279992, MONDO:0013602, OMIM 614165.
Mitochondrial complex II deficiency, nuclear type 1. Also called: SUCCINATE CoQ REDUCTASE DEFICIENCY. Identifiers: Orphanet 3208, MedGen C5700310, MONDO:0100294, OMIM 252011.
Hereditary cancer-predisposing syndrome. Also called: Tumor predisposition; Neoplastic Syndromes, Hereditary; Hereditary Cancer Syndrome; Hereditary neoplastic syndrome. Identifiers: Orphanet 140162, MedGen C0027672, MeSH D009386, MONDO:0015356.

Allele frequency attached by ClinVar (database versions not stated): gnomAD exomes below 0.00001.
gnomAD v4.1: 3 of 1,614,038 alleles (0.00019%); highest among the groups gnomAD compares: Non-Finnish European, 0.00017%; no homozygotes.

Submissions (3):

Labcorp Genetics (formerly Invitae), Labcorp
Classification: Likely benign for Pheochromocytoma/paraganglioma syndrome 5; Mitochondrial complex II deficiency, nuclear type 1. Last evaluated: 2025-10-07. Review status: criteria provided, single submitter. Criteria: Invitae Variant Classification Sherloc (09022015). Collection method: clinical testing. Allele origin: germline.

Myriad Genetics, Inc.
Classification: Benign for Pheochromocytoma/paraganglioma syndrome 5. Last evaluated: 2025-03-10. Review status: criteria provided, single submitter. Criteria: Myriad Autosomal Dominant, Autosomal Recessive and X-Linked Classification Criteria (2023). Collection method: clinical testing. Allele origin: unknown.
Comment: This variant is considered benign. This variant is a silent/synonymous amino acid change and it is not expected to impact splicing.

Ambry Genetics
Classification: Likely benign for Hereditary cancer-predisposing syndrome. Last evaluated: 2023-03-22. Review status: criteria provided, single submitter. Criteria: Ambry Variant Classification Scheme 2023. Collection method: clinical testing. Allele origin: germline.